The following is an entry in ClinVar:

ClinVar aggregate classification (germline): Uncertain significance (1 of 4 stars; one submission).

Conditions:
Arrhythmogenic right ventricular dysplasia 5. Also called: Arrhythmogenic Right Ventricular Dysplasia/Cardiomyopathy 5; ARRHYTHMOGENIC RIGHT VENTRICULAR DYSPLASIA, FAMILIAL, 5. Identifiers: MedGen C1858379, MONDO:0011459, OMIM 604400.

Submission:

Labcorp Genetics (formerly Invitae), Labcorp
Classification: Uncertain significance for Arrhythmogenic right ventricular dysplasia 5. Last evaluated: 2024-12-15. Review status: criteria provided, single submitter. Criteria: Invitae Variant Classification Sherloc (09022015). Collection method: clinical testing. Allele origin: germline.
Comment: This sequence change replaces tyrosine, which is neutral and polar, with phenylalanine, which is neutral and non-polar, at codon 371 of the TMEM43 protein (p.Tyr371Phe). This variant is not present in population databases (gnomAD no frequency). This variant has not been reported in the literature in individuals affected with TMEM43-related conditions. Invitae Evidence Modeling of protein sequence and biophysical properties (such as structural, functional, and spatial information, amino acid conservation, physicochemical variation, residue mobility, and thermodynamic stability) indicates that this missense variant is not expected to disrupt TMEM43 protein function with a negative predictive value of 80%. In summary, the available evidence is currently insufficient to determine the role of this variant in disease. Therefore, it has been classified as a Variant of Uncertain Significance.

NM_024334.3(TMEM43):c.1112A>T (p.Tyr371Phe)

Gene: TMEM43 (transmembrane protein 43; plus strand). Cytogenetic location: 3p25.1.
Variant type: single nucleotide variant.
Coding change: c.1112A>T on transcript NM_024334.3 (MANE Select); coding-DNA position 1112, A replaced by T.
Protein change: p.Tyr371Phe; replaces tyrosine 371 with phenylalanine.
Molecular consequence: missense variant.
Genome position (GRCh38, 1-based): chr3:14,141,704, A>T. VCF-style: chr3-14141704-A-T. GRCh37 (hg19) VCF-style: chr3-14183204-A-T.
Other names: c.1115A>T, p.Tyr372Phe (NM_001407274.1); c.1109A>T, p.Tyr370Phe (NM_001407275.1, NM_001407276.1); c.1106A>T, p.Tyr369Phe (NM_001407277.1); c.1097A>T, p.Tyr366Phe (NM_001407278.1); c.1037A>T, p.Tyr346Phe (NM_001407279.1); c.962A>T, p.Tyr321Phe (NM_001407280.1); short protein forms Y346F, Y366F, Y369F, Y370F, Y371F, Y321F, Y372F.
Identifiers: ClinVar variation 3706492 (VCV003706492.2).